The following is an entry in ClinVar:

ClinVar aggregate classification (germline): Benign. Review status: criteria provided, multiple submitters, no conflicts (2 of 4 stars). 2 submissions from 2 submitters: Benign (2). Last evaluated 2018-06-19.

Allele frequency attached by ClinVar (database versions not stated): 1000 Genomes Project 30x 0.29201; 1000 Genomes Project 0.29413; TOPMed 0.38555; gnomAD 0.39778 and 0.39890; gnomAD exomes 0.47759.
gnomAD v4.1: 266,390 of 583,006 alleles (46%); highest among the groups gnomAD compares: Non-Finnish European, 55%; 66,468 homozygotes.

Submissions (2):

GeneDx
Classification: Benign. Last evaluated: 2018-06-19. Review status: criteria provided, single submitter. Criteria: GeneDx Variant Classification (06012015). Collection method: clinical testing. Allele origin: germline. Affected: yes.
Comment: This variant is considered likely benign or benign based on one or more of the following criteria: it is a conservative change, it occurs at a poorly conserved position in the protein, it is predicted to be benign by multiple in silico algorithms, and/or has population frequency not consistent with disease.

Breakthrough Genomics
Classification: Benign. Review status: criteria provided, single submitter. Criteria: ACMG Guidelines, 2015. Collection method: not provided. Allele origin: germline. Inheritance: Multifactorial inheritance. Affected: yes.

NM_001235.5(SERPINH1):c.623-237C>T

Gene: SERPINH1 (serpin family H member 1; plus strand). Cytogenetic location: 11q13.5.
Variant type: single nucleotide variant.
Coding change: c.623-237C>T on transcript NM_001235.5 (MANE Select); 237 bases into the intron before coding-DNA position 623, C replaced by T.
Molecular consequence: intron variant.
Genome position (GRCh38, 1-based): chr11:75,568,494, C>T. VCF-style: chr11-75568494-C-T. GRCh37 (hg19) VCF-style: chr11-75279539-C-T.
Other names: c.623-237C>T (NM_001207014.3).
Identifiers: ClinVar variation 667595 (VCV000667595.2), dbSNP rs646920, ClinGen allele CA13444734.